The following is an entry in ClinVar:

ClinVar aggregate classification (germline): Uncertain significance. Review status: criteria provided, multiple submitters, no conflicts (2 of 4 stars). 2 submissions from 2 submitters: Uncertain significance (2). Last evaluated 2025-10-04.

Conditions:
Immunodeficiency, developmental delay, and hypohomocysteinemia. Identifiers: MedGen C4540293, MONDO:0060591, OMIM 617744.

Allele frequency attached by ClinVar (database versions not stated): gnomAD exomes 0.00001 and 0.00002; TOPMed 0.00001; gnomAD 0.00002.
gnomAD v4.1: 22 of 1,614,080 alleles (0.0014%); highest among the groups gnomAD compares: South Asian, 0.015%; no homozygotes.

Submissions (2):

Labcorp Genetics (formerly Invitae), Labcorp
Classification: Uncertain significance. Last evaluated: 2025-10-04. Review status: criteria provided, single submitter. Criteria: Invitae Variant Classification Sherloc (09022015). Collection method: clinical testing. Allele origin: germline.
Comment: This sequence change replaces arginine, which is basic and polar, with cysteine, which is neutral and slightly polar, at codon 449 of the NFE2L2 protein (p.Arg449Cys). This variant is present in population databases (rs201871588, gnomAD 0.006%). This variant has not been reported in the literature in individuals affected with NFE2L2-related conditions. ClinVar contains an entry for this variant (Variation ID: 1409201). Invitae Evidence Modeling of protein sequence and biophysical properties (such as structural, functional, and spatial information, amino acid conservation, physicochemical variation, residue mobility, and thermodynamic stability) indicates that this missense variant is not expected to disrupt NFE2L2 protein function with a negative predictive value of 80%. In summary, the available evidence is currently insufficient to determine the role of this variant in disease. Therefore, it has been classified as a Variant of Uncertain Significance.

Revvity Omics, Revvity
Classification: Uncertain significance for Immunodeficiency, developmental delay, and hypohomocysteinemia. Last evaluated: 2022-02-18. Review status: criteria provided, single submitter. Criteria: ACMG Guidelines, 2015. Collection method: clinical testing. Allele origin: germline.

NM_006164.5(NFE2L2):c.1345C>T (p.Arg449Cys)

Gene: NFE2L2 (NFE2 like bZIP transcription factor 2; minus strand). Cytogenetic location: 2q31.2.
Variant type: single nucleotide variant.
Coding change: c.1345C>T on transcript NM_006164.5 (MANE Select); coding-DNA position 1345, C replaced by T.
Protein change: p.Arg449Cys; replaces arginine 449 with cysteine.
Molecular consequence: missense variant.
Genome position (GRCh38, 1-based): chr2:177,231,258, G>A on the plus strand (C>T on the coding strand, the complement: NFE2L2 is on the minus strand). VCF-style: chr2-177231258-G-A. GRCh37 (hg19) VCF-style: chr2-178095986-G-A.
Other names: c.1297C>T, p.Arg433Cys (NM_001145412.3, NM_001313900.1, NM_001313901.1); c.1276C>T, p.Arg426Cys (NM_001145413.3); c.1255C>T, p.Arg419Cys (NM_001313902.2); c.1126C>T, p.Arg376Cys (NM_001313903.2); c.1045C>T, p.Arg349Cys (NM_001313904.1); short protein forms R376C, R449C, R419C, R349C, R433C, R426C.
Identifiers: ClinVar variation 1409201 (VCV001409201.10), dbSNP rs201871588, ClinGen allele CA60882764.